The following continues an entry in ClinVar:

NM_006214.4(PHYH):c.823C>T (p.Arg275Trp)

Gene: PHYH. ClinVar aggregate classification (germline): Pathogenic/Likely pathogenic. Pathogenic (13); Likely pathogenic (4).

Submissions 13 to 20 of 20:

Broad Center for Mendelian Genomics, Broad Institute of MIT and Harvard
Classification: Pathogenic for Retinitis pigmentosa. Last evaluated: 2021-04-01. Review status: criteria provided, single submitter. Criteria: ACMG Guidelines, 2015. Collection method: curation. Allele origin: germline. Inheritance: Autosomal recessive inheritance. Affected: yes.
Comment: Through a review of available evidence we were able to apply the following criteria: PM2, PP3, PM1, PS3, PM3. Based on this evidence we have classified this variant as Pathogenic. If you have any questions about the classification please reach out to the Pierce Lab.

Mayo Clinic Laboratories, Mayo Clinic
Classification: Pathogenic. Last evaluated: 2021-03-01. Review status: criteria provided, single submitter. Criteria: ACMG Guidelines, 2015. Collection method: clinical testing. Allele origin: germline. Observed: 1 variant allele.
Comment: PS3, PS4_moderate, PM3, PM5, PP3, PP6

Genetic Services Laboratory, University of Chicago
Classification: Likely pathogenic. Last evaluated: 2018-07-17. Review status: criteria provided, single submitter. Criteria: ACMG Guidelines, 2015. Collection method: clinical testing. Allele origin: germline. Affected: yes.
Comment: DNA sequence analysis of the PHYH gene demonstrated a sequence change, c.823C>T, in exon 7 that results in an amino acid change, p.Arg275Trp. The p.Arg275Trp change affects a highly conserved amino acid residue located in a domain of the PHYH protein that is known to be functional. The p.Arg275Trp substitution appears to be deleterious using several in-silico pathogenicity prediction tools (SIFT, PolyPhen2, Align GVGD, REVEL). This particular amino acid change has been described in the literature in the homozygous state in patients with Refsum disease (Mihalik et. al., 1997; Chahal et al, 1998). Functional studies demonstrate that this variant is enzymatically inactive (Mihalik et. al., 1997; Chahal et al, 1998). This sequence change has been described in the EXAC database with a low population frequency of 0.015% (dbSNP rs104894178).

Ambry Genetics
Classification: Pathogenic for Inborn genetic diseases. Last evaluated: 2017-12-15. Review status: criteria provided, single submitter. Criteria: Ambry Variant Classification Scheme 2023. Collection method: clinical testing. Allele origin: germline.
Comment: The p.R275W pathogenic mutation (also known as c.823C>T), located in coding exon 7 of the PHYH gene, results from a C to T substitution at nucleotide position 823. The arginine at codon 275 is replaced by tryptophan, an amino acid with dissimilar properties. This alteration has been detected in homozygous states in individuals with Refsum disease (Jansen GA et al. Hum. Mol. Genet., 2000 May;9:1195-200; Mukherji M et al. Hum. Mol. Genet., 2001 Sep;10:1971-82). This alteration was also described in heterozygous state in an individual with retinitis pigmentosa, who also carried PHYH c.678+5G>T; however, the phase is unclear (Carss KJ et al. Am. J. Hum. Genet., 2017 01;100:75-90). This alteration has been shown to abolish the enzyme activity (Jansen GA et al. Hum. Mol. Genet., 2000 May;9:1195-200; Mukherji M et al. Hum. Mol. Genet., 2001 Sep;10:1971-82; Mihalik SJ et al. Nat. Genet., 1997 Oct;17:185-9). In addition, an alteration changing the same amino acid residue, R275Q, has also been reported in homozygous state in an RD patient, and shown to abolish enzyme activity (Jansen GA et al. Hum. Mol. Genet., 2000 May;9:1195-200; Mukherji M et al. Hum. Mol. Genet., 2001 Sep;10:1971-82). Based on the supporting evidence, this alteration is interpreted as a disease-causing mutation.

UNC Molecular Genetics  Laboratory, University of North Carolina at Chapel Hill
Classification: Pathogenic for Phytanic acid storage disease. Review status: criteria provided, single submitter. Criteria: ACMG Guidelines, 2015. Collection method: research. Allele origin: germline. Affected: no. Observed: 1 variant allele. Study: NSIGHT-NC NEXUS.
Comment: The pathogenic PHYH (p.R275W) variant has been reported previously in individuals with Refsum disease in the homozygous state and the compound heterozygous state (PMID: 9326939; 10767344).

carrier finding

Counsyl
Classification: Likely pathogenic for Refsum disease, classic. Last evaluated: 2017-05-12. Review status: no assertion criteria provided. Collection method: clinical testing. Allele origin: unknown. Not counted in ClinVar's aggregate classification.

NIHR Bioresource Rare Diseases, University of Cambridge
Classification: Likely pathogenic for Retinitis pigmentosa. Last evaluated: 2015-01-01. Review status: no assertion criteria provided. Collection method: research. Allele origin: unknown. Affected: yes. Observed: 1 variant allele. Not counted in ClinVar's aggregate classification.

OMIM
Classification: Pathogenic for REFSUM DISEASE, ADULT, 1. Last evaluated: 2000-05-01. Review status: no assertion criteria provided. Collection method: literature only. Allele origin: germline. Not counted in ClinVar's aggregate classification.

Literature cited by the submitters: PubMed 9657395 (cited by 3 submitters); PubMed 10767344 (cited by 8 submitters); PubMed 28041643 (cited by 5 submitters); PubMed 1155634 (cited by Labcorp Genetics (formerly Invitae), Labcorp and Broad Center for Mendelian Genomics, Broad Institute of MIT and Harvard); PubMed 9326939 (cited by 8 submitters); PubMed 34906470 (cited by Broad Center for Mendelian Genomics, Broad Institute of MIT and Harvard); PubMed 11555634 (cited by 4 submitters); PubMed 14974078 (cited by 3 submitters).